The following is an entry in ClinVar:

ClinVar aggregate classification (germline): Pathogenic (1 of 4 stars; one submission).

Submission:

Labcorp Genetics (formerly Invitae), Labcorp
Classification: Pathogenic. Last evaluated: 2023-06-06. Review status: criteria provided, single submitter. Criteria: Invitae Variant Classification Sherloc (09022015). Collection method: clinical testing. Allele origin: germline.
Comment: This variant is not present in population databases (gnomAD no frequency). This sequence change creates a premature translational stop signal (p.Pro17Argfs*42) in the NEU1 gene. It is expected to result in an absent or disrupted protein product. Loss-of-function variants in NEU1 are known to be pathogenic (PMID: 11063730, 14517945). This variant has not been reported in the literature in individuals affected with NEU1-related conditions. For these reasons, this variant has been classified as Pathogenic.

Literature cited by the submitters: PubMed 11063730; PubMed 14517945.

NM_000434.4(NEU1):c.48del (p.Pro17fs)

Gene: NEU1 (neuraminidase 1; minus strand). Cytogenetic location: 6p21.33.
Variant type: Deletion.
Coding change: c.48del on transcript NM_000434.4 (MANE Select); coding-DNA position 48, one base deleted (G; older notation c.48delG).
Protein change: p.Pro17fs; shifts the reading frame from proline 17.
Molecular consequence: frameshift variant.
Genome position (GRCh38, 1-based): chr6:31,862,729, C deleted on the plus strand (G on the coding strand, the reverse complement: NEU1 is on the minus strand); the first of 5 consecutive C bases (chr6:31,862,729-31,862,733); deleting any one gives the same sequence. VCF-style (leftmost placement, unchanged base first): chr6-31862728-GC-G. GRCh37 (hg19) VCF-style: chr6-31830505-GC-G.
Other names: short protein forms P17fs.
Identifiers: ClinVar variation 2693471 (VCV002693471.4), dbSNP rs1236982860, ClinGen allele CA823921658.